The following is an entry in ClinVar:

ClinVar aggregate classification (germline): Conflicting classifications of pathogenicity. Review status: criteria provided, conflicting classifications (1 of 4 stars). 4 submissions from 4 submitters: Uncertain significance (2); Likely benign (1). 1 of the submissions does not count toward it. Last evaluated 2025-12-16.

Conditions:
RCBTB1-related disorder. Also called: RCBTB1-related condition.
Retinitis pigmentosa (RP). Identifiers: Orphanet 791, MedGen C0035334, MeSH D012174, MONDO:0019200, OMIM 268000. Inheritance: Autosomal dominant, autosomal recessive and X linked inheritance.

Allele frequency attached by ClinVar (database versions not stated): gnomAD 0.00004; gnomAD exomes 0.00005 and 0.00010; TOPMed 0.00005; ExAC 0.00007; ESP Exome Variant Server 0.00008.
gnomAD v4.1: 89 of 1,611,954 alleles (0.0055%); highest among the groups gnomAD compares: Admixed American, 0.0017%; no homozygotes.

Submissions (4):

PreventionGenetics, part of Exact Sciences
Classification: Likely benign for RCBTB1-related condition. Last evaluated: 2025-12-16. Review status: criteria provided, single submitter. Criteria: ACMG Guidelines, 2015. Collection method: clinical testing. Allele origin: germline.
Comment: This variant is classified as likely benign based on ACMG/AMP sequence variant interpretation guidelines (Richards et al. 2015 PMID: 25741868, with internal and published modifications).

Blueprint Genetics
Classification: Uncertain significance. Last evaluated: 2022-11-21. Review status: criteria provided, single submitter. Criteria: ACMG Guidelines, 2015. Collection method: clinical testing. Allele origin: germline.

Labcorp Genetics (formerly Invitae), Labcorp
Classification: Uncertain significance. Last evaluated: 2022-09-13. Review status: criteria provided, single submitter. Criteria: Invitae Variant Classification Sherloc (09022015). Collection method: clinical testing. Allele origin: germline.
Comment: This sequence change replaces histidine, which is basic and polar, with arginine, which is basic and polar, at codon 384 of the RCBTB1 protein (p.His384Arg). This variant is present in population databases (rs143970072, gnomAD 0.2%). This missense change has been observed in individual(s) with retinal dystrophy and/or retinitis pigmentosa (PMID: 27486781; Invitae). ClinVar contains an entry for this variant (Variation ID: 253019). Advanced modeling of protein sequence and biophysical properties (such as structural, functional, and spatial information, amino acid conservation, physicochemical variation, residue mobility, and thermodynamic stability) performed at Invitae indicates that this missense variant is expected to disrupt RCBTB1 protein function. In summary, the available evidence is currently insufficient to determine the role of this variant in disease. Therefore, it has been classified as a Variant of Uncertain Significance.

Center for Medical Genetics Ghent, University of Ghent
Classification: Uncertain significance for Retinitis pigmentosa. Review status: no assertion criteria provided. Collection method: research. Allele origin: germline. Affected: yes. Not counted in ClinVar's aggregate classification.

Literature cited by the submitters: PubMed 27486781 (cited by Labcorp Genetics (formerly Invitae), Labcorp and Center for Medical Genetics Ghent, University of Ghent).

NM_018191.4(RCBTB1):c.1151A>G (p.His384Arg)

Gene: RCBTB1 (RCC1 and BTB domain containing protein 1; minus strand). Cytogenetic location: 13q14.2.
Variant type: single nucleotide variant.
Coding change: c.1151A>G on transcript NM_018191.4 (MANE Select); coding-DNA position 1151, A replaced by G.
Protein change: p.His384Arg; replaces histidine 384 with arginine.
Molecular consequence: missense variant. On other transcripts: non-coding transcript variant (2).
Genome position (GRCh38, 1-based): chr13:49,544,758, T>C on the plus strand (A>G on the coding strand, the complement: RCBTB1 is on the minus strand). VCF-style: chr13-49544758-T-C. GRCh37 (hg19) VCF-style: chr13-50118894-T-C.
Other names: c.1151A>G, p.His384Arg (NM_001352500.2, NM_001352501.2, NM_001352502.2 and 2 more transcripts); c.572A>G, p.His191Arg (NM_001352506.2); short protein forms H384R, H191R.
Identifiers: ClinVar variation 253019 (VCV000253019.8), dbSNP rs143970072, ClinGen allele CA6982655.